The following is an entry in ClinVar:

ClinVar aggregate classification (germline): Pathogenic (1 of 4 stars; one submission).

Conditions:
Telangiectasia, hereditary hemorrhagic, type 2 (HHT2). Also called: Telangiectasia, hereditary hemorrhagic, type II; ACVRL1-Related Hereditary Hemorrhagic Telangiectasia. Identifiers: Orphanet 774, MedGen C1838163, MONDO:0010880, OMIM 600376. Disease mechanism: loss of function.

Submission:

NIHR Bioresource Rare Diseases, University of Cambridge
Classification: Pathogenic for Telangiectasia, hereditary hemorrhagic, type 2. Last evaluated: 2018-01-01. Review status: criteria provided, single submitter. Criteria: ACMG Guidelines, 2015. Collection method: research. Allele origin: unknown. Affected: yes. Observed: 1 variant allele.
Comment: PVS1+PM2+PP4

Literature cited by the submitters: PubMed 32573726.

NM_000020.3(ACVRL1):c.1448del (p.Leu483fs)

Gene: ACVRL1 (activin A receptor like type 1; plus strand). Cytogenetic location: 12q13.13.
Variant type: Deletion.
Coding change: c.1448del on transcript NM_000020.3 (MANE Select); coding-DNA position 1448, one base deleted (T; older notation c.1448delT).
Protein change: p.Leu483fs; shifts the reading frame from leucine 483.
Molecular consequence: frameshift variant.
Genome position (GRCh38, 1-based): chr12:51,920,829, T deleted. VCF-style (leftmost placement, unchanged base first): chr12-51920828-CT-C. GRCh37 (hg19) VCF-style: chr12-52314612-CT-C.
Other names: c.1448del, p.Leu483fs (NM_001077401.2); short protein forms L483fs.
Identifiers: ClinVar variation 982451 (VCV000982451.1), dbSNP rs1940958854, ClinGen allele CA1139662711.